The following is an entry in ClinVar:

ClinVar aggregate classification (germline): Likely benign (1 of 4 stars; one submission).

gnomAD v4.1: 304 of 1,591,216 alleles (0.019%); highest among the groups gnomAD compares: Middle Eastern, 0.43%; 2 homozygotes.

Submission:

CeGaT Center for Human Genetics Tuebingen
Classification: Likely benign. Last evaluated: 2025-06-01. Review status: criteria provided, single submitter. Criteria: CeGaT Center For Human Genetics Tuebingen Variant Classification Criteria Version 2. Collection method: clinical testing. Allele origin: germline. Affected: yes. Observed: 1 variant allele.
Comment: MYO10: BP4, BP7

NM_012334.3(MYO10):c.2538C>T (p.Ala846=)

Gene: MYO10 (myosin X; minus strand). Cytogenetic location: 5p15.1.
Variant type: single nucleotide variant.
Coding change: c.2538C>T on transcript NM_012334.3 (MANE Select); coding-DNA position 2538, C replaced by T.
Protein change: p.Ala846=; no amino-acid change (alanine 846 retained).
Molecular consequence: synonymous variant.
Genome position (GRCh38, 1-based): chr5:16,702,561, G>A on the plus strand (C>T on the coding strand, the complement: MYO10 is on the minus strand). VCF-style: chr5-16702561-G-A. GRCh37 (hg19) VCF-style: chr5-16702670-G-A.
Identifiers: ClinVar variation 3905194 (VCV003905194.10).